The following is an entry in ClinVar:

ClinVar aggregate classification (germline): Benign/Likely benign. Review status: criteria provided, multiple submitters, no conflicts (2 of 4 stars). 4 submissions from 4 submitters: Benign (1); Likely benign (3). Last evaluated 2026-09-24.

Conditions:
Hereditary cancer-predisposing syndrome. Also called: Hereditary Cancer Syndrome; Hereditary neoplastic syndrome; Neoplastic Syndromes, Hereditary; Tumor predisposition. Identifiers: Orphanet 140162, MedGen C0027672, MeSH D009386, MONDO:0015356.
Cardiovascular phenotype. Identifiers: MedGen CN230736.
Neurofibromatosis, type 1 (NF1). Also called: VON RECKLINGHAUSEN DISEASE; NEUROFIBROMATOSIS, TYPE I, SOMATIC; Neurofibromatosis, type I; Peripheral type neurofibromatosis. Identifiers: Orphanet 636, MedGen C0027831, MONDO:0018975, OMIM 162200. Disease mechanism: loss of function.

Allele frequency attached by ClinVar (database versions not stated): gnomAD exomes 0.00001 and below 0.00001; TOPMed below 0.00001; ExAC 0.00001.
gnomAD v4.1: 5 of 1,614,080 alleles (0.00031%); highest among the groups gnomAD compares: South Asian, 0.0011%; no homozygotes.

Submissions (4):

Myriad Genetics, Inc.
Classification: Benign for Neurofibromatosis, type 1. Last evaluated: 2026-09-24. Review status: criteria provided, single submitter. Criteria: Myriad Autosomal Dominant, Autosomal Recessive and X-Linked Classification Criteria (2023). Collection method: clinical testing. Allele origin: unknown.
Comment: This variant is considered benign. This variant is a silent/synonymous amino acid change and it is not expected to impact splicing.

Labcorp Genetics (formerly Invitae), Labcorp
Classification: Likely benign for Neurofibromatosis, type 1. Last evaluated: 2025-03-03. Review status: criteria provided, single submitter. Criteria: Invitae Variant Classification Sherloc (09022015). Collection method: clinical testing. Allele origin: germline.

Genome-Nilou Lab
Classification: Likely benign for Neurofibromatosis, type 1. Last evaluated: 2022-03-15. Review status: criteria provided, single submitter. Criteria: ACMG Guidelines, 2015. Collection method: clinical testing. Allele origin: germline. Affected: no.

Ambry Genetics
Classification: Likely benign for Cardiovascular phenotype; Hereditary cancer-predisposing syndrome. Last evaluated: 2017-01-31. Review status: criteria provided, single submitter. Criteria: Ambry Variant Classification Scheme 2023. Collection method: clinical testing. Allele origin: germline.

NM_001042492.3(NF1):c.6328T>C (p.Leu2110=)

Gene: NF1 (neurofibromin 1; plus strand). Cytogenetic location: 17q11.2.
Variant type: single nucleotide variant.
Coding change: c.6328T>C on transcript NM_001042492.3 (MANE Select); coding-DNA position 6328, T replaced by C.
Protein change: p.Leu2110=; no amino-acid change (leucine 2110 retained).
Molecular consequence: synonymous variant.
Genome position (GRCh38, 1-based): chr17:31,336,815, T>C. VCF-style: chr17-31336815-T-C. GRCh37 (hg19) VCF-style: chr17-29663833-T-C.
Other names: c.6265T>C, p.Leu2089= (NM_000267.4).
Identifiers: ClinVar variation 457790 (VCV000457790.12), dbSNP rs780230966, ClinGen allele CA8487334.